The following is an entry in ClinVar:

ClinVar aggregate classification (germline): Conflicting classifications of pathogenicity. Review status: criteria provided, conflicting classifications (1 of 4 stars). 4 submissions from 4 submitters: Uncertain significance (2); Likely benign (2). Last evaluated 2022-06-09.

Conditions:
Inborn genetic diseases. Identifiers: MedGen C0950123, MeSH D030342.
Microcephaly 5, primary, autosomal recessive (MCPH5). Also called: ASPM Primary Microcephaly. Identifiers: Orphanet 2512, MedGen C1837501, MONDO:0012106, OMIM 608716.

Allele frequency attached by ClinVar (database versions not stated): gnomAD 0.00007; ESP Exome Variant Server 0.00008; gnomAD exomes 0.00009; TOPMed 0.00011; ExAC 0.00012.
gnomAD v4.1: 151 of 1,612,356 alleles (0.0094%); highest among the groups gnomAD compares: Admixed American, 0.018%; no homozygotes.

Submissions (4):

Ambry Genetics
Classification: Likely benign for Inborn genetic diseases. Last evaluated: 2022-06-09. Review status: criteria provided, single submitter. Criteria: Ambry Variant Classification Scheme 2023. Collection method: clinical testing. Allele origin: germline.

Labcorp Genetics (formerly Invitae), Labcorp
Classification: Uncertain significance. Last evaluated: 2022-04-26. Review status: criteria provided, single submitter. Criteria: Invitae Variant Classification Sherloc (09022015). Collection method: clinical testing. Allele origin: germline.
Comment: This sequence change replaces arginine, which is basic and polar, with glutamine, which is neutral and polar, at codon 2184 of the ASPM protein (p.Arg2184Gln). This variant is present in population databases (rs200848981, gnomAD 0.02%). This variant has not been reported in the literature in individuals affected with ASPM-related conditions. ClinVar contains an entry for this variant (Variation ID: 294618). Algorithms developed to predict the effect of missense changes on protein structure and function output the following: SIFT: "Tolerated"; PolyPhen-2: "Benign"; Align-GVGD: "Class C0". The glutamine amino acid residue is found in multiple mammalian species, which suggests that this missense change does not adversely affect protein function. In summary, the available evidence is currently insufficient to determine the role of this variant in disease. Therefore, it has been classified as a Variant of Uncertain Significance.

GeneDx
Classification: Likely benign. Last evaluated: 2019-04-01. Review status: criteria provided, single submitter. Criteria: GeneDx Variant Classification Process June 2021. Collection method: clinical testing. Allele origin: germline. Affected: yes.

Illumina Laboratory Services, Illumina
Classification: Uncertain significance for Microcephaly 5, primary, autosomal recessive. Last evaluated: 2018-01-13. Review status: criteria provided, single submitter. Criteria: ICSL Variant Classification Criteria 13 December 2019. Collection method: clinical testing. Allele origin: germline.

NM_018136.5(ASPM):c.6551G>A (p.Arg2184Gln)

Gene: ASPM (assembly factor for spindle microtubules; minus strand). Cytogenetic location: 1q31.3.
Variant type: single nucleotide variant.
Coding change: c.6551G>A on transcript NM_018136.5 (MANE Select); coding-DNA position 6551, G replaced by A.
Protein change: p.Arg2184Gln; replaces arginine 2184 with glutamine.
Molecular consequence: missense variant. On other transcripts: intron variant (1).
Genome position (GRCh38, 1-based): chr1:197,102,700, C>T on the plus strand (G>A on the coding strand, the complement: ASPM is on the minus strand). VCF-style: chr1-197102700-C-T. GRCh37 (hg19) VCF-style: chr1-197071830-C-T.
Other names: c.4066-6536G>A (NM_001206846.2); short protein forms R2184Q.
Identifiers: ClinVar variation 294618 (VCV000294618.13), dbSNP rs200848981, ClinGen allele CA1309569.
Genomic context (GRCh38, chr1:197,102,700, plus strand): 5'-CTGTATCTTCTGTAGTTTGACTGAATGAGTGTTGCTGCAGTCTGCATCTTTCTAAGAGTC[C>T]GTCTAACTCTTACTCCTCTAAAACTTGCCTGAAGGACTTTAACAGCTTTCAAAATTGTCA-3'
Protein context (NP_060606.3, residues 2174-2194): QASFRGVRVR[Arg2184Gln]TLRKMQTAAT